The following is an entry in ClinVar:

NM_003873.7(NRP1):c.1716C>T (p.Gly572=)

Gene: NRP1 (neuropilin 1; minus strand). Cytogenetic location: 10p11.22.
Variant type: single nucleotide variant.
Coding change: c.1716C>T on transcript NM_003873.7 (MANE Select); coding-DNA position 1716, C replaced by T.
Protein change: p.Gly572=; no amino-acid change (glycine 572 retained).
Molecular consequence: synonymous variant. On other transcripts: non-coding transcript variant (1).
Genome position (GRCh38, 1-based): chr10:33,207,615, G>A on the plus strand (C>T on the coding strand, the complement: NRP1 is on the minus strand). VCF-style: chr10-33207615-G-A. GRCh37 (hg19) VCF-style: chr10-33496543-G-A.
Other names: c.1716C>T, p.Gly572= (NM_001024628.3, NM_001024629.3, NM_001244972.2 and 2 more transcripts).
Identifiers: ClinVar variation 4978367 (VCV004978367.1).
Genomic context (GRCh38, chr10:33,207,615, plus strand): 5'-CTGGAGATCATAATTACCTTCCACTTCACAGCCCAGCAGCTCCATTCTGAGCCCCAGTCC[G>A]CCATGAGTGGCTCTCTCGGGGTAGATCCTGATGAATCGCGTGGAGAGAGCTGGAAAAGTC-3'
Protein context (NP_003864.5, residues 562-582): IRIYPERATH[Gly572=]GLGLRMELLG

ClinVar aggregate classification (germline): Likely benign (1 of 4 stars; one submission).

Conditions:
NRP1-related disorder. Also called: NRP1-related condition.

gnomAD v4.1: 11 of 1,614,144 alleles (0.00068%); highest among the groups gnomAD compares: South Asian, 0.0033%; no homozygotes.

Submission:

PreventionGenetics, part of Exact Sciences
Classification: Likely benign for NRP1-related condition. Last evaluated: 2025-08-27. Review status: criteria provided, single submitter. Criteria: ACMG Guidelines, 2015. Collection method: clinical testing. Allele origin: germline.
Comment: This variant is classified as likely benign based on ACMG/AMP sequence variant interpretation guidelines (Richards et al. 2015 PMID: 25741868, with internal and published modifications).